The following is an entry in ClinVar:

ClinVar aggregate classification (germline): Pathogenic/Likely pathogenic. Review status: criteria provided, multiple submitters, no conflicts (2 of 4 stars). 11 submissions from 9 submitters: Pathogenic (7); Likely pathogenic (2). 2 of the submissions do not count toward it. Last evaluated 2025-08-29.

Conditions:
Childhood hypophosphatasia. Identifiers: Orphanet 247667, Orphanet 436, MedGen C0220743, MONDO:1010168, OMIM 241510, MONDO:0009428.
Infantile hypophosphatasia. Identifiers: Orphanet 247651, Orphanet 436, MedGen C0268412, MONDO:1010169, OMIM 241500, MONDO:0009427.
Adult hypophosphatasia. Identifiers: Orphanet 247676, Orphanet 436, MedGen C0268413, MONDO:1010154, OMIM 146300, MONDO:0007798.
Hypophosphatasia. Also called: Phosphoethanol-aminuria. Identifiers: Orphanet 436, MedGen C0020630, MeSH D007014, MONDO:0018570.

Allele frequency attached by ClinVar (database versions not stated): gnomAD 0.00001.
gnomAD v4.1: 8 of 1,614,012 alleles (0.0005%); highest among the groups gnomAD compares: East Asian, 0.0045%; no homozygotes.

Submissions (11):

Genomenon, Inc
Classification: Pathogenic for Hypophosphatasia. Last evaluated: 2025-08-29. Review status: criteria provided, single submitter. Criteria: Genomenon Sequence Variant Interpretation Standards. Collection method: curation. Allele origin: germline. Affected: yes.
Comment: ALPL c.98C>T is a missense variant that changes the amino acid at residue 33 from Alanine to Valine. This variant has been observed in multiple probands affected with hypophosphatasia (PMID:1409720;15694177;25731960;32811521;33827627). At least one functional study has demonstrated a substantial alteration in protein function relative to the wild-type (PMID:12162492;32160374). This variant is also reported as Ala16Val in the literature. It is absent or not present at a significant frequency in gnomAD. In silico models agree that this variant is possibly or probably damaging. In conclusion, we classify ALPL p.Ala33Val (c.98C>T) as a pathogenic variant.

Victorian Clinical Genetics Services, Murdoch Childrens Research Institute
Classification: Pathogenic for Adult hypophosphatasia. Last evaluated: 2025-07-17. Review status: criteria provided, single submitter. Criteria: ACMG Guidelines, 2015. Collection method: clinical testing. Allele origin: germline.
Comment: This variant is classified as Pathogenic. Evidence in support of pathogenic classification: Variant is present in gnomAD <0.01 (v4: 8 heterozygote(s), 0 homozygote(s)). - This variant has strong previous evidence of pathogenicity in unrelated individuals. This variant has been classified as likely pathogenic/pathogenic by multiple clinical laboratories in ClinVar, it has also been reported in the literature in three affected children in a compound heterozygous state (PMID: 33827627); This variant has moderate functional evidence supporting abnormal protein function. In vitro studies demonstrated reduced activity of mutant protein (PMID: 32160374); Missense variant predicted to be damaging by in silico tool(s) or highly conserved with a major amino acid change. Additional information: Variant is predicted to result in a missense amino acid change from alanine to valine; This variant is heterozygous; This gene is associated with both recessive and dominant disease. Severe forms of hypophosphatasia (perinatal and infantile) are generally associated with autosomal recessive disease, while the milder forms of hypophosphatasia (childhood, adult and odontohypophosphatasia) have been associated with both autosomal dominant and recessive disease (PMID: 19500388, 23688511); Alternative amino acid change(s) at the same position are present in gnomAD (Highest allele count: v4: 1 heterozygote(s), 0 homozygote(s)); Other missense variant(s) comparable to the one identified in this case have inconclusive previous evidence for pathogenicity. A p.(Ala33Gly) change has been classified as likely pathogenic by a clinical laboratory in ClinVar, while p.(Ala33Pro) has been classified as a VUS, both with limited information; Variant is located in the annotated name domain OR motif (PMID: 32160374); Dominant negative and loss of function are known mechanisms of disease in this gene. Late-onset/mild disease is associated with monoallelic dominant negative variants or biallelic loss of function variants that retain residual enzyme activity, while early-onset/severe disease is caused by more complete loss of function variants (PMID: 20301329, 19500388); The condition associated with this gene has incomplete penetrance (PMID: 20301329); Variants in this gene are known to have variable expressivity (PMID: 20301329); Inheritance information for this variant is not currently available in this individual.

Labcorp Genetics (formerly Invitae), Labcorp
Classification: Pathogenic. Last evaluated: 2025-01-21. Review status: criteria provided, single submitter. Criteria: Invitae Variant Classification Sherloc (09022015). Collection method: clinical testing. Allele origin: germline.
Comment: This sequence change replaces alanine, which is neutral and non-polar, with valine, which is neutral and non-polar, at codon 33 of the ALPL protein (p.Ala33Val). This variant is present in population databases (rs121918005, gnomAD 0.005%). This missense change has been observed in individual(s) with hypophosphatasia (PMID: 1409720, 15694177, 17253930, 22397652, 25731960). ClinVar contains an entry for this variant (Variation ID: 13667). Invitae Evidence Modeling of protein sequence and biophysical properties (such as structural, functional, and spatial information, amino acid conservation, physicochemical variation, residue mobility, and thermodynamic stability) indicates that this missense variant is expected to disrupt ALPL protein function with a positive predictive value of 95%. Experimental studies have shown that this missense change affects ALPL function (PMID: 15694177). For these reasons, this variant has been classified as Pathogenic.

Natera, Inc.
Classification: Pathogenic for Hypophosphatasia. Last evaluated: 2024-06-22. Review status: criteria provided, single submitter. Criteria: Natera Variant Classification Schema (03/2026). Collection method: clinical testing. Allele origin: germline.
Comment: The c.98C>T variant in ALPL is a missense variant predicted to cause substitution of alanine to valine at amino acid 33. This variant is rare in the general population with a frequency below the threshold expected for the associated phenotype(s). This variant has been observed in one or more individuals affected with the associated recessive disease, as either homozygous or compound heterozygous with a second variant (PMID: 25731960, 32973344, 32811521, 33827627, 26274329, 22397652, 34033304, 34712267). Functional studies show that this variant may disrupt protein function (PMID: 15694177). Computational prediction algorithms indicate this variant is likely to affect gene or protein function. Given the available evidence, this variant is classified as Pathogenic.

Fulgent Genetics
Classification: Pathogenic for Adult hypophosphatasia; Infantile hypophosphatasia; Childhood hypophosphatasia. Last evaluated: 2024-04-02. Review status: criteria provided, single submitter. Criteria: ACMG Guidelines, 2015. Collection method: clinical testing. Allele origin: germline.

Baylor Genetics
Classification: Pathogenic for Adult hypophosphatasia. Last evaluated: 2023-07-14. Review status: criteria provided, single submitter. Criteria: ACMG Guidelines, 2015. Collection method: clinical testing. Allele origin: unknown.

Laboratory for Molecular Medicine, Mass General Brigham Personalized Medicine
Classification: Likely pathogenic for Adult hypophosphatasia. Last evaluated: 2022-11-03. Review status: criteria provided, single submitter. Criteria: ACMG Guidelines, 2015. Collection method: clinical testing. Allele origin: germline.
Comment: The p.Ala33Val variant in ALPL (also referred to in the literature as Ala16Val) has been reported in 6 individuals with hypophosphatasia (Henthorn 1992 PMID: 1409720, Brun-Heath 2005 PMID: 15694177, Whyte 2015 PMID: 25731960, Reis 2021 PMID: 34033304, Zhang 2021 PMID: 34712267). It has also been identified in 0.02% (1/5184) of East Asian chromosomes by gnomAD and reported in ClinVar (Variation ID 13667). Computational prediction tools and conservation analyses suggest that this variant may impact the protein, though this information is not predictive enough to determine pathogenicity. In vitro functional studies provide some evidence that this variant results in reduced protein activity compared to wild type (Brun-Heath 2005 PMID: 15694177, Del Angel 2020 PMID: 32160374); however, these types of assays may not accurately represent biological function. In summary, although additional studies are required to fully establish its clinical significance, this variant meets criteria to be classified as likely pathogenic for autosomal recessive hypophosphatasia. ACMG/AMP Criteria applied: PM3_Strong, PS3_Moderate, PP3, PM2_Supporting.

Baylor Genetics
Classification: Pathogenic for Infantile hypophosphatasia. Review status: criteria provided, single submitter. Criteria: ACMG Guidelines, 2015. Collection method: clinical testing. Allele origin: unknown.

Juno Genomics, Hangzhou Juno Genomics, Inc
Classification: Likely pathogenic for Adult hypophosphatasia; Childhood hypophosphatasia; Infantile hypophosphatasia. Review status: criteria provided, single submitter. Criteria: ACMG Guidelines, 2015. Collection method: clinical testing. Allele origin: germline.
Comment: Absent from controls (or at extremely low frequency if recessive) in Genome Aggregation Database.;Multiple lines of computational evidence support a deleterious effect on the gene or gene product.;For recessive disorders, detected in trans with a pathogenic variant.;Patient's phenotype or family history is highly specific for a disease with a single genetic etiology.

OMIM
Classification: Pathogenic for HYPOPHOSPHATASIA, INFANTILE. Last evaluated: 1992-10-15. Review status: no assertion criteria provided. Collection method: literature only. Allele origin: germline. Not counted in ClinVar's aggregate classification.

Baylor Genetics
Classification: Uncertain significance for Childhood hypophosphatasia. Last evaluated: 2018-08-08. Review status: flagged submission. Criteria: ACMG Guidelines, 2015. Collection method: clinical testing. Allele origin: maternal. Affected: yes. Not counted in ClinVar's aggregate classification.
Comment: This variant was determined to be of uncertain significance according to ACMG Guidelines, 2015 [PMID:25741868].
ClinVar note: Reason: Unnecessary conflicting claim for distinct condition when other classifications are more relevant

Literature cited by the submitters: PubMed 1409720 (cited by 3 submitters); PubMed 15694177 (cited by 3 submitters); PubMed 25731960 (cited by 3 submitters); PubMed 32811521 (cited by Genomenon, Inc and Natera, Inc.); PubMed 33827627 (cited by 3 submitters); PubMed 12162492 (cited by Genomenon, Inc); PubMed 32160374 (cited by Genomenon, Inc and Victorian Clinical Genetics Services, Murdoch Childrens Research Institute); PubMed 19500388 (cited by Victorian Clinical Genetics Services, Murdoch Childrens Research Institute); PubMed 20301329 (cited by Victorian Clinical Genetics Services, Murdoch Childrens Research Institute); PubMed 23688511 (cited by Victorian Clinical Genetics Services, Murdoch Childrens Research Institute); PubMed 17253930 (cited by Labcorp Genetics (formerly Invitae), Labcorp); PubMed 22397652 (cited by Labcorp Genetics (formerly Invitae), Labcorp and Natera, Inc.); PubMed 32973344 (cited by Natera, Inc.); PubMed 26274329 (cited by Natera, Inc.); PubMed 34033304 (cited by Natera, Inc.); PubMed 34712267 (cited by Natera, Inc.).

NM_000478.6(ALPL):c.98C>T (p.Ala33Val)

Gene: ALPL (alkaline phosphatase, biomineralization associated; plus strand). Cytogenetic location: 1p36.12.
Variant type: single nucleotide variant.
Coding change: c.98C>T on transcript NM_000478.6 (MANE Select); coding-DNA position 98, C replaced by T.
Protein change: p.Ala33Val; replaces alanine 33 with valine.
Molecular consequence: missense variant. On other transcripts: 5 prime UTR variant (2).
Genome position (GRCh38, 1-based): chr1:21,560,662, C>T. VCF-style: chr1-21560662-C-T. GRCh37 (hg19) VCF-style: chr1-21887155-C-T.
Other names: A16V; c.-68C>T (NM_001127501.4); c.-18C>T (NM_001177520.3); c.98C>T, p.Ala33Val (NM_001369803.2, NM_001369804.2, NM_001369805.2); short protein forms A33V.
Identifiers: ClinVar variation 13667 (VCV000013667.20), dbSNP rs121918005, ClinGen allele CA256924.
Genomic context (GRCh38, chr1:21,560,662, plus strand): 5'-GTAACTGCCTCTCTCTGTGTTTAGAGAAAGAGAAAGACCCCAAGTACTGGCGAGACCAAG[C>T]GCAAGAGACACTGAAATATGCCCTGGAGCTTCAGAAGCTCAACACCAACGTGGCTAAGAA-3'
Protein context (NP_000469.3, residues 23-43): EKDPKYWRDQ[Ala33Val]QETLKYALEL